The following is an entry in ClinVar:

ClinVar aggregate classification (germline): Benign (1 of 4 stars; one submission).

Conditions:
Familial adenomatous polyposis 1 (FAP1). Also called: POLYPOSIS, ADENOMATOUS INTESTINAL; FAMILIAL ADENOMATOUS POLYPOSIS 1, ATTENUATED. Identifiers: MedGen C2713442, MONDO:0021056, OMIM 175100. Disease mechanism: loss of function.

Submission:

Myriad Genetics, Inc.
Classification: Benign for Familial adenomatous polyposis 1. Last evaluated: 2024-02-27. Review status: criteria provided, single submitter. Criteria: Myriad Autosomal Dominant, Autosomal Recessive and X-Linked Classification Criteria (2023). Collection method: clinical testing. Allele origin: unknown.
Comment: This variant is considered benign. This variant is a silent/synonymous amino acid change and it is not expected to impact splicing.

NM_000038.6(APC):c.907A>C (p.Arg303=)

Gene: APC (APC regulator of Wnt signaling pathway; plus strand). Cytogenetic location: 5q22.2.
Variant type: single nucleotide variant.
Coding change: c.907A>C on transcript NM_000038.6 (MANE Select); coding-DNA position 907, A replaced by C.
Protein change: p.Arg303=; no amino-acid change (arginine 303 retained).
Molecular consequence: synonymous variant. On other transcripts: non-coding transcript variant (2).
Genome position (GRCh38, 1-based): chr5:112,815,567, A>C. VCF-style: chr5-112815567-A-C. GRCh37 (hg19) VCF-style: chr5-112151264-A-C.
Other names: c.907A>C, p.Arg303= (NM_001407449.1, NM_001407450.1, NM_001407454.1 and 12 more transcripts); c.832A>C, p.Arg278= (NM_001407451.1, NM_001354898.2, NM_001354904.2); c.823A>C, p.Arg275= (NM_001407452.1, NM_001407467.1, NM_001407469.1 and 1 more transcripts); c.730A>C, p.Arg244= (NM_001407453.1, NM_001354900.2, NM_001354901.2 and 1 more transcripts); c.58A>C, p.Arg20= (NM_001407470.1, NM_001407471.1, NM_001407472.1 and 1 more transcripts); c.853A>C, p.Arg285= (NM_001127511.3); c.937A>C, p.Arg313= (NM_001354897.2, NM_001354902.2, NM_001407446.1).
Identifiers: ClinVar variation 3148755 (VCV003148755.1), dbSNP rs2532971532, ClinGen allele CA445755717.
Genomic context (GRCh38, chr5:112,815,567, plus strand): 5'-CGAATGGACCATGAAACAGCCAGTGTTTTGAGTTCTAGTAGCACACACTCTGCACCTCGA[A>C]GGCTGACAAGTCATCTGGGAACCAAGGTAACAGAAGATTACAAACCCTGGTCACTAATGC-3'
Protein context (NP_000029.2, residues 293-313): SSSSTHSAPR[Arg303=]LTSHLGTKVE